The following is an entry in ClinVar:

NM_020975.6(RET):c.1836C>T (p.Phe612=)

Gene: RET (ret proto-oncogene; plus strand). Cytogenetic location: 10q11.21.
Variant type: single nucleotide variant.
Coding change: c.1836C>T on transcript NM_020975.6 (MANE Select); coding-DNA position 1836, C replaced by T.
Protein change: p.Phe612=; no amino-acid change (phenylalanine 612 retained).
Molecular consequence: synonymous variant. On other transcripts: intron variant (2).
Genome position (GRCh38, 1-based): chr10:43,113,632, C>T. VCF-style: chr10-43113632-C-T. GRCh37 (hg19) VCF-style: chr10-43609080-C-T.
Other names: c.1074C>T, p.Phe358= (NM_001355216.2); c.1836C>T, p.Phe612= (NM_001406743.1, NM_001406744.1, NM_001406759.1 and 4 more transcripts); c.651C>T, p.Phe217= (NM_001406789.1, NM_001406790.1, NM_001406788.1); c.387C>T, p.Phe129= (NM_001406792.1, NM_001406793.1, NM_001406794.1); c.1707C>T, p.Phe569= (NM_001406761.1, NM_001406762.1, NM_001406764.1 and 1 more transcripts); c.862+669C>T (NM_001406785.1); c.1548C>T, p.Phe516= (NM_001406766.1, NM_001406767.1, NM_001406770.1); c.574+669C>T (NM_001406791.1); and 7 more.
Identifiers: ClinVar variation 3670867 (VCV003670867.3).

ClinVar aggregate classification (germline): Benign/Likely benign. Review status: criteria provided, multiple submitters, no conflicts (2 of 4 stars). 2 submissions from 2 submitters: Benign (1); Likely benign (1). Last evaluated 2025-02-26.

Conditions:
Multiple endocrine neoplasia, type 2 (MEN2). Identifiers: Orphanet 653, MedGen C4048306, MONDO:0019003. Disease mechanism: gain of function.
Multiple endocrine neoplasia type 2A. Also called: Multiple Endocrine Neoplasia Type 2A (MEN2A); MULTIPLE ENDOCRINE NEOPLASIA, TYPE IIA; PTC SYNDROME; SIPPLE SYNDROME; MEN 2A; MEN-2A syndrome. Identifiers: Orphanet 247698, Orphanet 653, MedGen C0025268, MeSH D018813, MONDO:0008234, OMIM 171400.

gnomAD v4.1: 2 of 1,613,406 alleles (0.00012%); highest among the groups gnomAD compares: Non-Finnish European, 0.000085%; no homozygotes.

Submissions (2):

Myriad Genetics, Inc.
Classification: Benign for Multiple endocrine neoplasia type 2A. Last evaluated: 2025-02-26. Review status: criteria provided, single submitter. Criteria: Myriad Autosomal Dominant, Autosomal Recessive and X-Linked Classification Criteria (2023). Collection method: clinical testing. Allele origin: unknown.
Comment: This variant is considered benign. This variant is a silent/synonymous amino acid change and it is not expected to impact splicing.

Labcorp Genetics (formerly Invitae), Labcorp
Classification: Likely benign for Multiple endocrine neoplasia, type 2. Last evaluated: 2024-11-03. Review status: criteria provided, single submitter. Criteria: Invitae Variant Classification Sherloc (09022015). Collection method: clinical testing. Allele origin: germline.